The following is an entry in ClinVar:

NM_002599.5(PDE2A):c.1075A>T (p.Thr359Ser)

Genes: PDE2A (phosphodiesterase 2A; minus strand), PDE2A-AS2 (PDE2A antisense RNA 2; plus strand). Cytogenetic location: 11q13.4.
Variant type: single nucleotide variant.
Coding change: c.1075A>T on transcript NM_002599.5 (MANE Select); coding-DNA position 1075, A replaced by T.
Protein change: p.Thr359Ser; replaces threonine 359 with serine.
Molecular consequence: missense variant.
Genome position (GRCh38, 1-based): chr11:72,586,177, T>A on the plus strand (A>T on the coding strand, the complement: PDE2A is on the minus strand). VCF-style: chr11-72586177-T-A. GRCh37 (hg19) VCF-style: chr11-72297221-T-A.
Other names: c.1054A>T, p.Thr352Ser (NM_001143839.4); c.1048A>T, p.Thr350Ser (NM_001146209.3); c.1012A>T, p.Thr338Ser (NM_001243784.2); c.1075A>T (NM_002599.4); short protein forms T350S, T338S, T352S, T359S.
Identifiers: ClinVar variation 2785361 (VCV002785361.4), dbSNP rs1209062103, ClinGen allele CA381761411.

ClinVar aggregate classification (germline): Uncertain significance. Review status: criteria provided, multiple submitters, no conflicts (2 of 4 stars). 2 submissions from 2 submitters: Uncertain significance (2). Last evaluated 2025-07-12.

Conditions:
Inborn genetic diseases. Identifiers: MedGen C0950123, MeSH D030342.

Allele frequency attached by ClinVar (database versions not stated): gnomAD exomes below 0.00001; TOPMed below 0.00001.
gnomAD v4.1: 2 of 1,600,130 alleles (0.00012%); highest among the groups gnomAD compares: Admixed American, 0.0034%; no homozygotes.

Submissions (2):

Ambry Genetics
Classification: Uncertain significance for Inborn genetic diseases. Last evaluated: 2025-07-12. Review status: criteria provided, single submitter. Criteria: Ambry Variant Classification Scheme 2023. Collection method: clinical testing. Allele origin: germline.

Labcorp Genetics (formerly Invitae), Labcorp
Classification: Uncertain significance. Last evaluated: 2023-05-22. Review status: criteria provided, single submitter. Criteria: Invitae Variant Classification Sherloc (09022015). Collection method: clinical testing. Allele origin: germline.
Comment: An algorithm developed to predict the effect of missense changes on protein structure and function (PolyPhen-2) suggests that this variant is likely to be tolerated. In summary, the available evidence is currently insufficient to determine the role of this variant in disease. Therefore, it has been classified as a Variant of Uncertain Significance. This variant has not been reported in the literature in individuals affected with PDE2A-related conditions. This variant is present in population databases (no rsID available, gnomAD 0.003%). This sequence change replaces threonine, which is neutral and polar, with serine, which is neutral and polar, at codon 359 of the PDE2A protein (p.Thr359Ser).